The following is an entry in ClinVar:

ClinVar aggregate classification (germline): Uncertain significance (1 of 4 stars; one submission).

Allele frequency attached by ClinVar (database versions not stated): ExAC 0.00001; gnomAD 0.00001; gnomAD exomes 0.00001; TOPMed 0.00001.
gnomAD v4.1: 11 of 1,597,756 alleles (0.00069%); highest among the groups gnomAD compares: Non-Finnish European, 0.00085%; no homozygotes.

Submission:

GeneDx
Classification: Uncertain significance. Last evaluated: 2024-01-02. Review status: criteria provided, single submitter. Criteria: GeneDx Variant Classification Process June 2021. Collection method: clinical testing. Allele origin: germline.
Comment: Not observed at significant frequency in large population cohorts (gnomAD); In silico analysis supports that this missense variant has a deleterious effect on protein structure/function; Has not been previously published as pathogenic or benign to our knowledge

NM_194248.3(OTOF):c.4918A>G (p.Asn1640Asp)

Gene: OTOF (otoferlin; minus strand). Cytogenetic location: 2p23.3.
Variant type: single nucleotide variant.
Coding change: c.4918A>G on transcript NM_194248.3 (MANE Select); coding-DNA position 4918, A replaced by G.
Protein change: p.Asn1640Asp; replaces asparagine 1640 with aspartic acid.
Molecular consequence: missense variant.
Genome position (GRCh38, 1-based): chr2:26,464,911, T>C on the plus strand (A>G on the coding strand, the complement: OTOF is on the minus strand). VCF-style: chr2-26464911-T-C. GRCh37 (hg19) VCF-style: chr2-26687779-T-C.
Other names: c.4918A>G, p.Asn1640Asp (NM_001287489.2); c.2617A>G, p.Asn873Asp (NM_004802.4, NM_194323.3); c.2848A>G, p.Asn950Asp (NM_194322.3); short protein forms N1640D, N873D, N950D.
Identifiers: ClinVar variation 2444598 (VCV002444598.2), dbSNP rs779960084, ClinGen allele CA1563000.